The following is an entry in ClinVar:

ClinVar aggregate classification (germline): Uncertain significance (1 of 4 stars; one submission).

Submission:

Labcorp Genetics (formerly Invitae), Labcorp
Classification: Uncertain significance. Last evaluated: 2026-01-08. Review status: criteria provided, single submitter. Criteria: Invitae Variant Classification Sherloc (09022015). Collection method: clinical testing. Allele origin: germline.
Comment: This variant, c.1319_1333dup, results in the insertion of 5 amino acid(s) of the NECTIN1 protein (p.Glu440_Glu444dup), but otherwise preserves the integrity of the reading frame. This variant is not present in population databases (gnomAD no frequency). This variant has not been reported in the literature in individuals affected with NECTIN1-related conditions. In summary, the available evidence is currently insufficient to determine the role of this variant in disease. Therefore, it has been classified as a Variant of Uncertain Significance.

NM_002855.5(NECTIN1):c.1310AGG[13] (p.Glu444_Gly445insGluGluGluGluGlu)

Gene: NECTIN1 (nectin cell adhesion molecule 1; minus strand). Cytogenetic location: 11q23.3.
Variant type: Microsatellite.
Coding change: c.1310AGG[13] on transcript NM_002855.5 (MANE Select); 13 copies in a row of the 3-base unit AGG starting at c.1310; the reference has eight copies in a row; five copies, 15 bases duplicated.
Protein change: p.Glu444_Gly445insGluGluGluGluGlu.
Molecular consequence: inframe insertion. On other transcripts: intron variant (1).
Genome position (GRCh38, 1-based): chr11:119,664,968-119,664,982, CCTCCTCCTCCTCCT duplicated on the plus strand (AGGAGGAGGAGGAGG on the coding strand, the reverse complement: NECTIN1 is on the minus strand); duplicating any 15 consecutive bases within chr11:119,664,968-119,664,992 gives the same sequence; the position shown is the placement nearest the transcript's 3' end. VCF-style (leftmost placement, unchanged base first): chr11-119664967-C-CCCTCCTCCTCCTCCT. GRCh37 (hg19) VCF-style: chr11-119535677-C-CCCTCCTCCTCCTCCT.
Other names: c.1003+10168AGG[13] (NM_203285.2).
Identifiers: ClinVar variation 4734876 (VCV004734876.1).